The following is an entry in ClinVar:

NM_020937.4(FANCM):c.5260A>T (p.Asn1754Tyr)

Gene: FANCM (FA complementation group M; plus strand). Cytogenetic location: 14q21.2.
Variant type: single nucleotide variant.
Coding change: c.5260A>T on transcript NM_020937.4 (MANE Select); coding-DNA position 5260, A replaced by T.
Protein change: p.Asn1754Tyr; replaces asparagine 1754 with tyrosine.
Molecular consequence: missense variant.
Genome position (GRCh38, 1-based): chr14:45,189,282, A>T. VCF-style: chr14-45189282-A-T. GRCh37 (hg19) VCF-style: chr14-45658485-A-T.
Other names: c.5182A>T, p.Asn1728Tyr (NM_001308133.2); short protein forms N1754Y, N1728Y.
Identifiers: ClinVar variation 2091834 (VCV002091834.4), dbSNP rs766113499, ClinGen allele CA389613127.

ClinVar aggregate classification (germline): Uncertain significance (1 of 4 stars; one submission).

Conditions:
Fanconi anemia (FA). Also called: Fanconi's anemia. Identifiers: Orphanet 84, MedGen C0015625, MeSH D005199, MONDO:0019391.

Submission:

Labcorp Genetics (formerly Invitae), Labcorp
Classification: Uncertain significance for Fanconi anemia. Last evaluated: 2022-03-19. Review status: criteria provided, single submitter. Criteria: Invitae Variant Classification Sherloc (09022015). Collection method: clinical testing. Allele origin: germline.
Comment: This sequence change replaces asparagine, which is neutral and polar, with tyrosine, which is neutral and polar, at codon 1754 of the FANCM protein (p.Asn1754Tyr). This variant is not present in population databases (gnomAD no frequency). This variant has not been reported in the literature in individuals affected with FANCM-related conditions. Algorithms developed to predict the effect of missense changes on protein structure and function output the following: SIFT: "Deleterious"; PolyPhen-2: "Benign"; Align-GVGD: "Class C0". The tyrosine amino acid residue is found in multiple mammalian species, which suggests that this missense change does not adversely affect protein function. In summary, the available evidence is currently insufficient to determine the role of this variant in disease. Therefore, it has been classified as a Variant of Uncertain Significance.